The following is an entry in ClinVar:

ClinVar aggregate classification (germline): Pathogenic (1 of 4 stars; one submission).

Conditions:
Ataxia-telangiectasia syndrome (AT). Also called: ATAXIA-TELANGIECTASIA, COMPLEMENTATION GROUP A; ATAXIA-TELANGIECTASIA, FRESNO VARIANT; LOUIS-BAR SYNDROME; Ataxia-telangiectasia, complementation group D; Ataxia-telangiectasia, complementation group E; Cerebello-oculocutaneous telangiectasia. Identifiers: Orphanet 100, MedGen C0004135, MONDO:0008840, OMIM 208900.

Submission:

Labcorp Genetics (formerly Invitae), Labcorp
Classification: Pathogenic for Ataxia-telangiectasia syndrome. Last evaluated: 2024-03-30. Review status: criteria provided, single submitter. Criteria: Invitae Variant Classification Sherloc (09022015). Collection method: clinical testing. Allele origin: germline.
Comment: This sequence change creates a premature translational stop signal (p.His1334*) in the ATM gene. It is expected to result in an absent or disrupted protein product. Loss-of-function variants in ATM are known to be pathogenic (PMID: 23807571, 25614872). This variant is not present in population databases (gnomAD no frequency). This variant has not been reported in the literature in individuals affected with ATM-related conditions. For these reasons, this variant has been classified as Pathogenic.

Literature cited by the submitters: PubMed 23807571; PubMed 25614872.

NM_000051.4(ATM):c.4000_4010del (p.Asp1333_His1334insTer)

Gene: ATM (ATM serine/threonine kinase; plus strand). Cytogenetic location: 11q22.3.
Variant type: Deletion.
Coding change: c.4000_4010del on transcript NM_000051.4 (MANE Select); coding-DNA positions 4000 to 4010, 11 bases deleted (CACTTATTCAT).
Protein change: p.Asp1333_His1334insTer.
Molecular consequence: nonsense.
Genome position (GRCh38, 1-based): chr11:108,287,606-108,287,616, CACTTATTCAT deleted; deleting any 11 consecutive bases within chr11:108,287,604-108,287,616 gives the same sequence; the c. name uses the placement nearest the transcript's 3' end. VCF-style (leftmost placement, unchanged base first): chr11-108287603-GATCACTTATTC-G. GRCh37 (hg19) VCF-style: chr11-108158330-GATCACTTATTC-G.
Other names: c.4000_4010del, p.Asp1333_His1334insTer (NM_001351834.2).
Identifiers: ClinVar variation 3648202 (VCV003648202.2).